The following is an entry in ClinVar:

NM_007294.4(BRCA1):c.3505_3509del (p.Asn1168_Asp1169insTer)

Genes: BRCA1 (BRCA1 DNA repair associated; minus strand), LOC126862571 (BRD4-independent group 4 enhancer GRCh37_chr17:41243136-41244335; plus strand). Cytogenetic location: 17q21.31.
Variant type: Deletion.
Coding change: c.3505_3509del on transcript NM_007294.4 (MANE Select); coding-DNA positions 3505 to 3509, 5 bases deleted (GACAT; older notation c.3505_3509delGACAT).
Protein change: p.Asn1168_Asp1169insTer.
Molecular consequence: nonsense. On other transcripts: intron variant (135), frameshift variant (1).
Genome position (GRCh38, 1-based): chr17:43,092,022-43,092,026, ATGTC deleted on the plus strand (GACAT on the coding strand, the reverse complement: BRCA1 is on the minus strand); deleting any 5 consecutive bases within chr17:43,092,022-43,092,028 gives the same sequence; the c. name uses the placement nearest the transcript's 3' end. VCF-style (leftmost placement, unchanged base first): chr17-43092021-AATGTC-A. GRCh37 (hg19) VCF-style: chr17-41244038-AATGTC-A.
Other names: c.3361_3365del, p.Asn1120_Asp1121insTer (NM_001407838.1, NM_001407839.1, NM_001407841.1 and 20 more transcripts); c.3364_3368del, p.Asn1121_Asp1122insTer (NM_001407850.1, NM_001407851.1, NM_001407852.1 and 29 more transcripts); c.3292_3296del, p.Asn1097_Asp1098insTer (NM_001407853.1, NM_001407894.1, NM_001407895.1 and 9 more transcripts); c.3505_3509del, p.Asn1168_Asp1169insTer (NM_001407854.1, NM_001407858.1, NM_001407859.1 and 30 more transcripts); c.3502_3506del, p.Asn1167_Asp1168insTer (NM_001407860.1, NM_001407861.1, NM_001407587.1 and 22 more transcripts); c.3304_3308del, p.Asn1101_Asp1102insTer (NM_001407862.1); c.3382_3386del, p.Asn1127_Asp1128insTer (NM_001407863.1, NM_001407919.1, NM_001407937.1 and 19 more transcripts); c.3301_3305del, p.Asn1100_Asp1101insTer (NM_001407874.1, NM_001407875.1); and 42 more.
Identifiers: ClinVar variation 54904 (VCV000054904.6), dbSNP rs397509078, ClinGen allele CA002253.

ClinVar aggregate classification (germline): Pathogenic. Review status: reviewed by expert panel (3 of 4 stars). 4 submissions from 4 submitters: Pathogenic (1). 3 of the submissions do not count toward it. Last evaluated 2017-12-15.

Conditions:
Familial cancer of breast. Also called: hereditary breast carcinoma; BREAST CANCER, FAMILIAL; Hereditary breast cancer. Identifiers: Orphanet 227535, MedGen C0346153, MONDO:0016419, OMIM 114480. Disease mechanism: loss of function.
Hereditary breast ovarian cancer syndrome. Also called: BRCA1- and BRCA2-Associated Hereditary Breast and Ovarian Cancer; Hereditary breast and ovarian cancer syndrome; Hereditary breast and ovarian cancer syndrome (HBOC); Breast and ovarian cancer; Hereditary breast and/or ovarian cancer syndrome; Hereditary breast and ovarian cancer. Identifiers: Orphanet 145, MedGen C0677776, MeSH D061325, MONDO:0003582. Disease mechanism: loss of function.
Breast-ovarian cancer, familial, susceptibility to, 1 (BROVCA1). Also called: BRCA1 Hereditary Breast and Ovarian Cancer; OVARIAN CANCER, SUSCEPTIBILITY TO. Identifiers: Orphanet 145, MedGen C2676676, MONDO:0011450, OMIM 604370. Disease mechanism: loss of function.

Submissions (4):

Evidence-based Network for the Interpretation of Germline Mutant Alleles (ENIGMA)
Classification: Pathogenic for Breast-ovarian cancer, familial, susceptibility to, 1. Last evaluated: 2017-12-15. Review status: reviewed by expert panel. Criteria: ENIGMA BRCA1/2 Classification Criteria (2017-06-29). Collection method: curation. Allele origin: germline. Study: ENIGMA.
Comment: Variant allele predicted to encode a truncated non-functional protein.

Women's Health and Genetics/Laboratory Corporation of America, LabCorp
Classification: Pathogenic for Hereditary breast ovarian cancer syndrome. Last evaluated: 2022-05-25. Review status: criteria provided, single submitter. Criteria: LabCorp Variant Classification Summary - May 2015. Collection method: clinical testing. Allele origin: germline. Not counted in ClinVar's aggregate classification.
Comment: Variant summary: BRCA1 c.3505_3509delGACAT (p.Asp1169X) results in a premature termination codon, predicted to cause a truncation of the encoded protein or absence of the protein due to nonsense mediated decay, which are commonly known mechanisms for disease. Truncations downstream of this position have been classified as pathogenic by our laboratory. The variant was absent in 251294 control chromosomes. c.3505_3509delGACAT has been reported in the literature in at least one individual suspected to have Hereditary Breast And Ovarian Cancer Syndrome. To our knowledge, no experimental evidence demonstrating an impact on protein function has been reported. Two clinical diagnostic laboratories have submitted clinical-significance assessments for this variant to ClinVar after 2014 without evidence for independent evaluation. Both laboratories classified the variant as pathogenic. Based on the evidence outlined above, the variant was classified as pathogenic.

Research Institute, Aichi Cancer Center
Classification: Pathogenic for Hereditary breast ovarian cancer syndrome. Last evaluated: 2022-02-01. Review status: criteria provided, single submitter. Criteria: ACMG Guidelines, 2015. Collection method: research. Allele origin: germline. Affected: yes. Observed: 3 variant alleles. Not counted in ClinVar's aggregate classification.

ClinVar Staff, National Center for Biotechnology Information (NCBI)
No classification provided. Condition: Familial cancer of breast. Review status: no classification provided. Collection method: literature only. Allele origin: germline. Affected: yes. Not counted in ClinVar's aggregate classification.

Literature cited by the submitters: PubMed 19016756 (cited by Women's Health and Genetics/Laboratory Corporation of America, LabCorp and ClinVar Staff, National Center for Biotechnology Information (NCBI)).